The following is an entry in ClinVar:

NM_001035.3(RYR2):c.1477-7G>T

Gene: RYR2 (ryanodine receptor 2; plus strand). Cytogenetic location: 1q43.
Variant type: single nucleotide variant.
Coding change: c.1477-7G>T on transcript NM_001035.3 (MANE Select); 7 bases into the intron before coding-DNA position 1477, G replaced by T.
Molecular consequence: intron variant.
Genome position (GRCh38, 1-based): chr1:237,456,593, G>T. VCF-style: chr1-237456593-G-T. GRCh37 (hg19) VCF-style: chr1-237619893-G-T.
Identifiers: ClinVar variation 925220 (VCV000925220.15), dbSNP rs763127313, ClinGen allele CA085767.

ClinVar aggregate classification (germline): Likely benign. Review status: criteria provided, multiple submitters, no conflicts (2 of 4 stars). 4 submissions from 4 submitters: Likely benign (4). Last evaluated 2026-02-03.

Conditions:
Catecholaminergic polymorphic ventricular tachycardia 1. Also called: VENTRICULAR TACHYCARDIA, CATECHOLAMINERGIC POLYMORPHIC, 1, WITH OR WITHOUT ATRIAL DYSFUNCTION AND/OR DILATED CARDIOMYOPATHY; RYR2-Related Catecholaminergic Polymorphic Ventricular Tachycardia; VENTRICULAR TACHYCARDIA, STRESS-INDUCED POLYMORPHIC 1. Identifiers: Orphanet 3286, MedGen C1631597, MONDO:0011484, OMIM 604772.
Catecholaminergic polymorphic ventricular tachycardia (CVPT). Also called: Catecholamine-induced polymorphic ventricular tachycardia. Identifiers: Orphanet 3286, MedGen C5574922, MONDO:0017990.
Cardiomyopathy (CMYO). Also called: Cardiomyopathies. Identifiers: Orphanet 167848, MedGen C0878544, MONDO:0004994, HP:0001638. Inheritance: Various modes of inheritance.

Submissions (4):

Labcorp Genetics (formerly Invitae), Labcorp
Classification: Likely benign for Catecholaminergic polymorphic ventricular tachycardia 1. Last evaluated: 2026-02-03. Review status: criteria provided, single submitter. Criteria: Invitae Variant Classification Sherloc (09022015). Collection method: clinical testing. Allele origin: germline.

All of Us Research Program, National Institutes of Health
Classification: Likely benign for Catecholaminergic polymorphic ventricular tachycardia. Last evaluated: 2023-06-26. Review status: criteria provided, single submitter. Criteria: ACMG Guidelines, 2015. Collection method: clinical testing. Allele origin: germline. Inheritance: Autosomal dominant inheritance. Observed: 1 variant allele, 1 heterozygote.
Comment: This study involves interpretation of variants in research participants for the purpose of population health screening. Participant phenotype was not available at the time of variant classification. Additional details can be found in publication PMID: 35346344, PMCID: PMC8962531

GeneDx
Classification: Likely benign. Last evaluated: 2019-11-04. Review status: criteria provided, single submitter. Criteria: GeneDx Variant Classification Process June 2021. Collection method: clinical testing. Allele origin: germline. Affected: yes.

Color Diagnostics, LLC DBA Color Health
Classification: Likely benign for Cardiomyopathy. Last evaluated: 2019-07-19. Review status: criteria provided, single submitter. Criteria: ACMG Guidelines, 2015. Collection method: clinical testing. Allele origin: germline.